The following is an entry in ClinVar:

ClinVar aggregate classification (germline): Uncertain significance. Review status: criteria provided, multiple submitters, no conflicts (2 of 4 stars). 4 submissions from 4 submitters: Uncertain significance (4). Last evaluated 2024-10-02.

Conditions:
EPCAM-related disorder. Also called: EPCAM-related condition.
Hereditary cancer-predisposing syndrome. Also called: Neoplastic Syndromes, Hereditary; Tumor predisposition; Hereditary Cancer Syndrome; Hereditary neoplastic syndrome. Identifiers: Orphanet 140162, MedGen C0027672, MeSH D009386, MONDO:0015356.

Allele frequency attached by ClinVar (database versions not stated): ExAC 0.00001; gnomAD exomes 0.00002; gnomAD 0.00003; TOPMed 0.00005; ESP Exome Variant Server 0.00008.
gnomAD v4.1: 29 of 1,613,836 alleles (0.0018%); highest among the groups gnomAD compares: Middle Eastern, 0.016%; no homozygotes.

Submissions (4):

PreventionGenetics, part of Exact Sciences
Classification: Uncertain significance for EPCAM-related condition. Last evaluated: 2024-10-02. Review status: criteria provided, single submitter. Criteria: ACMG Guidelines, 2015. Collection method: clinical testing. Allele origin: germline.
Comment: The EPCAM c.134A>T variant is predicted to result in the amino acid substitution p.Gln45Leu. To our knowledge, this variant has not been reported in the literature in individuals with colorectal cancer. Pathogenic missense variants in the EPCAM gene have been reported in autosomal recessive congenital tufting enteropathy, whereas only gross deletions in EPCAM have been conclusively established in colorectal cancer (Human Gene Mutation Database). This variant is reported in 0.0039% of alleles in individuals of European (Non-Finnish) descent in gnomAD, and has been interpreted as variant of uncertain significance in the ClinVar database. At this time, the clinical significance of this variant is uncertain due to the absence of conclusive functional and genetic evidence.

Blueprint Genetics
Classification: Uncertain significance. Last evaluated: 2022-06-27. Review status: criteria provided, single submitter. Criteria: ACMG Guidelines, 2015. Collection method: clinical testing. Allele origin: germline.

Institute for Clinical Genetics, University Hospital TU Dresden, University Hospital TU Dresden
Classification: Uncertain significance. Last evaluated: 2021-11-03. Review status: criteria provided, single submitter. Criteria: ACMG Guidelines, 2015. Collection method: clinical testing. Allele origin: germline.

GeneKor MSA
Classification: Uncertain significance for Hereditary cancer-predisposing syndrome. Last evaluated: 2018-08-01. Review status: criteria provided, single submitter. Criteria: ACMG Guidelines, 2015. Collection method: clinical testing. Allele origin: germline. Affected: yes.

NM_002354.3(EPCAM):c.134A>T (p.Gln45Leu)

Gene: EPCAM (epithelial cell adhesion molecule; plus strand). Cytogenetic location: 2p21.
Variant type: single nucleotide variant.
Coding change: c.134A>T on transcript NM_002354.3 (MANE Select); coding-DNA position 134, A replaced by T.
Protein change: p.Gln45Leu; replaces glutamine 45 with leucine.
Molecular consequence: missense variant.
Genome position (GRCh38, 1-based): chr2:47,373,520, A>T. VCF-style: chr2-47373520-A-T. GRCh37 (hg19) VCF-style: chr2-47600659-A-T.
Other names: short protein forms Q45L.
Identifiers: ClinVar variation 584524 (VCV000584524.6), dbSNP rs372142268, ClinGen allele CA1648885.